The following is an entry in ClinVar:

NM_004168.4(SDHA):c.1677_1680delinsTACA (p.Asn559_Thr560=)

Gene: SDHA (succinate dehydrogenase complex flavoprotein subunit A; plus strand). Cytogenetic location: 5p15.33.
Variant type: Indel.
Coding change: c.1677_1680delinsTACA on transcript NM_004168.4 (MANE Select); coding-DNA positions 1677 to 1680, CACG replaced by TACA.
Protein change: p.Asn559_Thr560=.
Molecular consequence: synonymous variant. On other transcripts: intron variant (1).
Genome position (GRCh38, 1-based): chr5:251,351-251,354, CACG replaced by TACA. VCF-style: chr5-251351-CACG-TACA. GRCh37 (hg19) VCF-style: chr5-251466-CACG-TACA.
Other names: c.1533_1536delinsTACA, p.Asn511_Thr512= (NM_001294332.2); c.1552-3042_1552-3039delinsTACA (NM_001330758.2).
Identifiers: ClinVar variation 3904544 (VCV003904544.1).

ClinVar aggregate classification (germline): Benign (1 of 4 stars; one submission).

Conditions:
Pheochromocytoma/paraganglioma syndrome 5. Also called: Paragangliomas 5; SDHA-Related Hereditary Paraganglioma-Pheochromocytoma Syndrome. Identifiers: Orphanet 29072, MedGen C3279992, MONDO:0013602, OMIM 614165.

Submission:

Myriad Genetics, Inc.
Classification: Benign for Pheochromocytoma/paraganglioma syndrome 5. Last evaluated: 2025-03-11. Review status: criteria provided, single submitter. Criteria: Myriad Autosomal Dominant, Autosomal Recessive and X-Linked Classification Criteria (2023). Collection method: clinical testing. Allele origin: unknown.
Comment: This variant is considered benign. This variant is a silent/synonymous amino acid change and it is not expected to impact splicing.